The following is an entry in ClinVar:

ClinVar aggregate classification (germline): Uncertain significance (1 of 4 stars; one submission).

Allele frequency attached by ClinVar (database versions not stated): gnomAD exomes below 0.00001.

Submission:

Labcorp Genetics (formerly Invitae), Labcorp
Classification: Uncertain significance. Last evaluated: 2023-08-27. Review status: criteria provided, single submitter. Criteria: Invitae Variant Classification Sherloc (09022015). Collection method: clinical testing. Allele origin: germline.
Comment: This sequence change replaces leucine, which is neutral and non-polar, with proline, which is neutral and non-polar, at codon 71 of the PROK2 protein (p.Leu71Pro). This variant is present in population databases (no rsID available, gnomAD 0.009%). This variant has not been reported in the literature in individuals affected with PROK2-related conditions. An algorithm developed to predict the effect of missense changes on protein structure and function (PolyPhen-2) suggests that this variant is likely to be disruptive. In summary, the available evidence is currently insufficient to determine the role of this variant in disease. Therefore, it has been classified as a Variant of Uncertain Significance.

NM_001126128.2(PROK2):c.212T>C (p.Leu71Pro)

Gene: PROK2 (prokineticin 2; minus strand). Cytogenetic location: 3p13.
Variant type: single nucleotide variant.
Coding change: c.212T>C on transcript NM_001126128.2 (MANE Select); coding-DNA position 212, T replaced by C.
Protein change: p.Leu71Pro; replaces leucine 71 with proline.
Molecular consequence: missense variant.
Genome position (GRCh38, 1-based): chr3:71,781,477, A>G on the plus strand (T>C on the coding strand, the complement: PROK2 is on the minus strand). VCF-style: chr3-71781477-A-G. GRCh37 (hg19) VCF-style: chr3-71830628-A-G.
Other names: c.212T>C, p.Leu71Pro (NM_021935.4); short protein forms L71P.
Identifiers: ClinVar variation 2977316 (VCV002977316.3), dbSNP rs1445383955, ClinGen allele CA353500964.